The following is an entry in ClinVar:

NM_017763.6(RNF43):c.953-12T>C

Gene: RNF43 (ring finger protein 43; minus strand). Cytogenetic location: 17q22.
Variant type: single nucleotide variant.
Coding change: c.953-12T>C on transcript NM_017763.6 (MANE Select); 12 bases into the intron before coding-DNA position 953, T replaced by C.
Molecular consequence: intron variant.
Genome position (GRCh38, 1-based): chr17:58,358,835, A>G on the plus strand (T>C on the coding strand, the complement: RNF43 is on the minus strand). VCF-style: chr17-58358835-A-G. GRCh37 (hg19) VCF-style: chr17-56436196-A-G.
Other names: c.953-12T>C (NM_001438822.1, NM_001305544.3, NM_001438820.1 and 1 more transcripts); c.572-12T>C (NM_001305545.2, NM_001437987.1).
Identifiers: ClinVar variation 4875690 (VCV004875690.1).

ClinVar aggregate classification (germline): Likely benign (1 of 4 stars; one submission).

Conditions:
Sessile serrated polyposis cancer syndrome (SSPCS). Identifiers: Orphanet 157798, MedGen C4310714, MONDO:0014919, OMIM 617108.

Submission:

Myriad Genetics, Inc.
Classification: Likely benign for Sessile serrated polyposis cancer syndrome. Last evaluated: 2026-06-26. Review status: criteria provided, single submitter. Criteria: Myriad Autosomal Dominant, Autosomal Recessive and X-Linked Classification Criteria (2023). Collection method: clinical testing. Allele origin: unknown.
Comment: This variant is considered likely benign. This variant is intronic and is not expected to impact mRNA splicing.